The following is an entry in ClinVar:

NM_004184.4(WARS1):c.1398G>T (p.Leu466=)

Gene: WARS1 (tryptophanyl-tRNA synthetase 1; minus strand). Cytogenetic location: 14q32.2.
Variant type: single nucleotide variant.
Coding change: c.1398G>T on transcript NM_004184.4 (MANE Select); coding-DNA position 1398, G replaced by T.
Protein change: p.Leu466=; no amino-acid change (leucine 466 retained).
Molecular consequence: synonymous variant.
Genome position (GRCh38, 1-based): chr14:100,334,893, C>A on the plus strand (G>T on the coding strand, the complement: WARS1 is on the minus strand). VCF-style: chr14-100334893-C-A. GRCh37 (hg19) VCF-style: chr14-100801230-C-A.
Other names: c.1398G>T, p.Leu466= (NM_173701.2); c.1275G>T, p.Leu425= (NM_213645.2, NM_213646.2).
Identifiers: ClinVar variation 3039971 (VCV003039971.15), dbSNP rs79878944, ClinGen allele CA7344979.

ClinVar aggregate classification (germline): Likely benign. Review status: criteria provided, single submitter (1 of 4 stars). 2 submissions from 2 submitters: Likely benign (1). 1 of the submissions does not count toward it. Last evaluated 2025-01-01.

Conditions:
WARS1-related disorder. Also called: WARS1-related condition.

Allele frequency attached by ClinVar (database versions not stated): ESP Exome Variant Server 0.00092; gnomAD 0.00102; TOPMed 0.00126; 1000 Genomes Project 30x 0.00156; 1000 Genomes Project 0.00160.
gnomAD v4.1: 354 of 1,614,016 alleles (0.022%); highest among the groups gnomAD compares: African/African-American, 0.36%; no homozygotes.

Submissions (2):

CeGaT Center for Human Genetics Tuebingen
Classification: Likely benign. Last evaluated: 2025-01-01. Review status: criteria provided, single submitter. Criteria: CeGaT Center For Human Genetics Tuebingen Variant Classification Criteria Version 2. Collection method: clinical testing. Allele origin: germline. Affected: yes. Observed: 1 variant allele.
Comment: WARS1: BP4, BP7

PreventionGenetics, part of Exact Sciences
Classification: Likely benign for WARS1-related condition. Last evaluated: 2019-10-28. Review status: no assertion criteria provided. Collection method: clinical testing. Allele origin: germline. Not counted in ClinVar's aggregate classification.
Comment: This variant is classified as likely benign based on ACMG/AMP sequence variant interpretation guidelines (Richards et al. 2015 PMID: 25741868, with internal and published modifications).